The following is an entry in ClinVar:

NM_000350.3(ABCA4):c.3619G>A (p.Glu1207Lys)

Genes: ABCA4 (ATP binding cassette subfamily A member 4; minus strand), LOC126805794 (BRD4-independent group 4 enhancer GRCh37_chr1:94502188-94503387; plus strand). Cytogenetic location: 1p22.1.
Variant type: single nucleotide variant.
Coding change: c.3619G>A on transcript NM_000350.3 (MANE Select); coding-DNA position 3619, G replaced by A.
Protein change: p.Glu1207Lys; replaces glutamic acid 1207 with lysine.
Molecular consequence: missense variant.
Genome position (GRCh38, 1-based): chr1:94,037,339, C>T on the plus strand (G>A on the coding strand, the complement: ABCA4 is on the minus strand). VCF-style: chr1-94037339-C-T. GRCh37 (hg19) VCF-style: chr1-94502895-C-T.
Other names: c.3397G>A, p.Glu1133Lys (NM_001425324.1); c.3619G>A (NM_000350.2); short protein forms E1207K, E1133K.
Identifiers: ClinVar variation 1012000 (VCV001012000.9), dbSNP rs780950161, ClinGen allele CA957866.

ClinVar aggregate classification (germline): Uncertain significance. Review status: criteria provided, multiple submitters, no conflicts (2 of 4 stars). 2 submissions from 2 submitters: Uncertain significance (2). Last evaluated 2023-10-13.

Conditions:
Inborn genetic diseases. Identifiers: MedGen C0950123, MeSH D030342.

Allele frequency attached by ClinVar (database versions not stated): ExAC 0.00001; TOPMed 0.00004; gnomAD exomes 0.00001; gnomAD 0.00003 and 0.00004.

Submissions (2):

Ambry Genetics
Classification: Uncertain significance for Inborn genetic diseases. Last evaluated: 2023-10-13. Review status: criteria provided, single submitter. Criteria: Ambry Variant Classification Scheme 2023. Collection method: clinical testing. Allele origin: germline.

Labcorp Genetics (formerly Invitae), Labcorp
Classification: Uncertain significance. Last evaluated: 2022-04-02. Review status: criteria provided, single submitter. Criteria: Invitae Variant Classification Sherloc (09022015). Collection method: clinical testing. Allele origin: germline.
Comment: This sequence change replaces glutamic acid, which is acidic and polar, with lysine, which is basic and polar, at codon 1207 of the ABCA4 protein (p.Glu1207Lys). This variant is present in population databases (rs780950161, gnomAD 0.02%). This variant has not been reported in the literature in individuals affected with ABCA4-related conditions. ClinVar contains an entry for this variant (Variation ID: 1012000). Advanced modeling of protein sequence and biophysical properties (such as structural, functional, and spatial information, amino acid conservation, physicochemical variation, residue mobility, and thermodynamic stability) performed at Invitae indicates that this missense variant is not expected to disrupt ABCA4 protein function. In summary, the available evidence is currently insufficient to determine the role of this variant in disease. Therefore, it has been classified as a Variant of Uncertain Significance.